The following is an entry in ClinVar:

ClinVar aggregate classification (germline): Uncertain significance (0 of 4 stars; one submission).

Conditions:
MAGEL2-related disorder. Also called: MAGEL2-related condition.

Submission:

PreventionGenetics, part of Exact Sciences
Classification: Uncertain significance for MAGEL2-related condition. Last evaluated: 2023-12-26. Review status: no assertion criteria provided. Collection method: clinical testing. Allele origin: germline.
Comment: The MAGEL2 c.609_638dup30 variant is predicted to result in an in-frame duplication (p.His221_Ala230dup). To our knowledge, this variant has not been reported in the literature. It was not detected in gnomAD v2.1.1 dataset, but it is present in 3 alleles in gnomAD v4.0.0. This in-frame duplication occurs in one of the tandem repeat regions of this gene. Although we suspect that this variant may be benign, the clinical significance of this variant is classified as uncertain at this time due to insufficient functional and genetic evidence.

NM_019066.5(MAGEL2):c.579CCCTCCGGGGACACCGATGGCTCATCCTCC[3] (p.Ala230_Gln231insHisProProProProGlyThrProMetAla)

Gene: MAGEL2 (MAGE family member L2; minus strand). Cytogenetic location: 15q11.2.
Variant type: Microsatellite.
Coding change: c.579CCCTCCGGGGACACCGATGGCTCATCCTCC[3] on transcript NM_019066.5 (MANE Select); three copies in a row of the 30-base unit CCCTCCGGGGACACCGATGGCTCATCCTCC starting at c.579; the reference has two copies in a row; one copy, 30 bases duplicated.
Protein change: p.Ala230_Gln231insHisProProProProGlyThrProMetAla.
Molecular consequence: inframe insertion.
Genome position (GRCh38, 1-based): chr15:23,647,105-23,647,134, GGAGGATGAGCCATCGGTGTCCCCGGAGGG duplicated on the plus strand (CCCTCCGGGGACACCGATGGCTCATCCTCC on the coding strand, the reverse complement: MAGEL2 is on the minus strand); duplicating any 30 consecutive bases within chr15:23,647,105-23,647,181 gives the same sequence; the position shown is the placement nearest the transcript's 3' end. VCF-style (leftmost placement, unchanged base first): chr15-23647104-T-TGGAGGATGAGCCATCGGTGTCCCCGGAGGG. GRCh37 (hg19) VCF-style: chr15-23892251-T-TGGAGGATGAGCCATCGGTGTCCCCGGAGGG.
Identifiers: ClinVar variation 3351588 (VCV003351588.1).